The following is an entry in ClinVar:

ClinVar aggregate classification (germline): Benign (1 of 4 stars; one submission).

Allele frequency attached by ClinVar (database versions not stated): ESP Exome Variant Server 0.00025; 1000 Genomes Project 30x 0.00031; gnomAD 0.00033; 1000 Genomes Project 0.00040.
gnomAD v4.1: 512 of 1,610,128 alleles (0.032%); highest among the groups gnomAD compares: Middle Eastern, 0.13%; no homozygotes.

Submission:

CeGaT Center for Human Genetics Tuebingen
Classification: Benign. Last evaluated: 2022-09-01. Review status: criteria provided, single submitter. Criteria: CeGaT Center For Human Genetics Tuebingen Variant Classification Criteria Version 2. Collection method: clinical testing. Allele origin: germline. Affected: yes. Observed: 1 variant allele.
Comment: AHNAK2: BS1, BS2

NM_138420.4(AHNAK2):c.10326C>T (p.Asp3442=)

Gene: AHNAK2 (AHNAK nucleoprotein 2; minus strand). Cytogenetic location: 14q32.33.
Variant type: single nucleotide variant.
Coding change: c.10326C>T on transcript NM_138420.4 (MANE Select); coding-DNA position 10326, C replaced by T.
Protein change: p.Asp3442=; no amino-acid change (aspartic acid 3442 retained).
Molecular consequence: synonymous variant.
Genome position (GRCh38, 1-based): chr14:104,945,125, G>A on the plus strand (C>T on the coding strand, the complement: AHNAK2 is on the minus strand). VCF-style: chr14-104945125-G-A. GRCh37 (hg19) VCF-style: chr14-105411462-G-A.
Other names: c.10026C>T, p.Asp3342= (NM_001350929.2).
Identifiers: ClinVar variation 2644675 (VCV002644675.24), dbSNP rs201867414, ClinGen allele CA7379200.